The following is an entry in ClinVar:

ClinVar aggregate classification (germline): Benign/Likely benign. Review status: criteria provided, multiple submitters, no conflicts (2 of 4 stars). 2 submissions from 2 submitters: Benign (1); Likely benign (1). Last evaluated 2026-02-17.

Conditions:
Hereditary cancer-predisposing syndrome. Also called: Hereditary neoplastic syndrome; Tumor predisposition; Neoplastic Syndromes, Hereditary; Hereditary Cancer Syndrome. Identifiers: Orphanet 140162, MedGen C0027672, MeSH D009386, MONDO:0015356.
Familial cancer of breast. Also called: BREAST CANCER, FAMILIAL; Hereditary breast cancer; hereditary breast carcinoma. Identifiers: Orphanet 227535, MedGen C0346153, MONDO:0016419, OMIM 114480. Disease mechanism: loss of function.

Submissions (2):

Ambry Genetics
Classification: Likely benign for Hereditary cancer-predisposing syndrome. Last evaluated: 2026-02-17. Review status: criteria provided, single submitter. Criteria: Ambry Variant Classification Scheme 2023. Collection method: clinical testing. Allele origin: germline.

Myriad Genetics, Inc.
Classification: Benign for Familial cancer of breast. Last evaluated: 2024-07-25. Review status: criteria provided, single submitter. Criteria: Myriad Autosomal Dominant, Autosomal Recessive and X-Linked Classification Criteria (2023). Collection method: clinical testing. Allele origin: unknown.
Comment: This variant is considered benign. This variant is a silent/synonymous amino acid change and it is not expected to impact splicing.

NM_000465.4(BARD1):c.1566T>A (p.Ala522=)

Gene: BARD1 (BRCA1 associated RING domain 1; minus strand). Cytogenetic location: 2q35.
Variant type: single nucleotide variant.
Coding change: c.1566T>A on transcript NM_000465.4 (MANE Select); coding-DNA position 1566, T replaced by A.
Protein change: p.Ala522=; no amino-acid change (alanine 522 retained).
Molecular consequence: synonymous variant. On other transcripts: non-coding transcript variant (3), intron variant (3).
Genome position (GRCh38, 1-based): chr2:214,767,484, A>T on the plus strand (T>A on the coding strand, the complement: BARD1 is on the minus strand). VCF-style: chr2-214767484-A-T. GRCh37 (hg19) VCF-style: chr2-215632208-A-T.
Other names: c.1566T>A (NM_000465.2); c.1509T>A, p.Ala503= (NM_001282543.2); c.159-14929T>A (NM_001282548.2); c.216-14929T>A (NM_001282545.2); c.364+24813T>A (NM_001282549.2).
Identifiers: ClinVar variation 3378818 (VCV003378818.2).
Genomic context (GRCh38, chr2:214,767,484, plus strand): 5'-ACCTTGATTCAAGAATATAGGTCCATTTTAAAAATAATTTTTACGTTGAACTACTTACAC[A>T]GCATTTCTGGAGGCTCCATAGGAAAGTAACAGCTTGACTATATCCACATGCCCATTCTTG-3'
Protein context (NP_000456.2, residues 512-532): LLLSYGASRN[Ala522=]VNIFGLRPVD